The following is an entry in ClinVar:

NM_003839.4(TNFRSF11A):c.44T>C (p.Leu15Pro)

Genes: TNFRSF11A (TNF receptor superfamily member 11a; plus strand), LOC130062628 (ATAC-STARR-seq lymphoblastoid silent region 9505; plus strand). Cytogenetic location: 18q21.33.
Variant type: single nucleotide variant.
Coding change: c.44T>C on transcript NM_003839.4 (MANE Select); coding-DNA position 44, T replaced by C.
Protein change: p.Leu15Pro; replaces leucine 15 with proline.
Molecular consequence: missense variant.
Genome position (GRCh38, 1-based): chr18:62,325,396, T>C. VCF-style: chr18-62325396-T-C. GRCh37 (hg19) VCF-style: chr18-59992629-T-C.
Other names: c.44T>C, p.Leu15Pro (NM_001270949.2, NM_001270950.2, NM_001270951.2 and 1 more transcripts); short protein forms L15P.
Identifiers: ClinVar variation 2127815 (VCV002127815.4), dbSNP rs1357947854, ClinGen allele CA402618704.

ClinVar aggregate classification (germline): Uncertain significance (1 of 4 stars; one submission).

Submission:

Labcorp Genetics (formerly Invitae), Labcorp
Classification: Uncertain significance. Last evaluated: 2023-05-01. Review status: criteria provided, single submitter. Criteria: Invitae Variant Classification Sherloc (09022015). Collection method: clinical testing. Allele origin: germline.
Comment: Experimental studies and prediction algorithms are not available or were not evaluated, and the functional significance of this variant is currently unknown. ClinVar contains an entry for this variant (Variation ID: 2127815). This variant has not been reported in the literature in individuals affected with TNFRSF11A-related conditions. This variant is not present in population databases (gnomAD no frequency). This sequence change replaces leucine, which is neutral and non-polar, with proline, which is neutral and non-polar, at codon 15 of the TNFRSF11A protein (p.Leu15Pro). In summary, the available evidence is currently insufficient to determine the role of this variant in disease. Therefore, it has been classified as a Variant of Uncertain Significance.